The following is an entry in ClinVar:

NM_001142800.2(EYS):c.2706T>G (p.Tyr902Ter)

Gene: EYS (EGF-like photoreceptor maintenance factor; minus strand). Cytogenetic location: 6q12.
Variant type: single nucleotide variant.
Coding change: c.2706T>G on transcript NM_001142800.2 (MANE Select); coding-DNA position 2706, T replaced by G.
Protein change: p.Tyr902Ter; replaces tyrosine 902 with a stop codon.
Molecular consequence: nonsense.
Genome position (GRCh38, 1-based): chr6:64,902,436, A>C on the plus strand (T>G on the coding strand, the complement: EYS is on the minus strand). VCF-style: chr6-64902436-A-C. GRCh37 (hg19) VCF-style: chr6-65612329-A-C.
Other names: c.2706T>G, p.Tyr902Ter (NM_001292009.2); short protein forms Y902*.
Identifiers: ClinVar variation 2121793 (VCV002121793.4), dbSNP rs1315692382, ClinGen allele CA364785887.

ClinVar aggregate classification (germline): Pathogenic (1 of 4 stars; one submission).

Submission:

Labcorp Genetics (formerly Invitae), Labcorp
Classification: Pathogenic. Last evaluated: 2022-04-05. Review status: criteria provided, single submitter. Criteria: Invitae Variant Classification Sherloc (09022015). Collection method: clinical testing. Allele origin: germline.
Comment: For these reasons, this variant has been classified as Pathogenic. This variant has not been reported in the literature in individuals affected with EYS-related conditions. This variant is not present in population databases (gnomAD no frequency). This sequence change creates a premature translational stop signal (p.Tyr902*) in the EYS gene. It is expected to result in an absent or disrupted protein product. Loss-of-function variants in EYS are known to be pathogenic (PMID: 18836446, 20333770).

Literature cited by the submitters: PubMed 18836446; PubMed 20333770.